The following is an entry in ClinVar:

ClinVar aggregate classification (germline): Uncertain significance. Review status: criteria provided, multiple submitters, no conflicts (2 of 4 stars). 2 submissions from 2 submitters: Uncertain significance (2). Last evaluated 2025-06-18.

Conditions:
Malignant hyperthermia, susceptibility to, 5 (MHS5). Also called: CACNA1S-Related Malignant Hyperthermia Susceptibility. Identifiers: Orphanet 423, MedGen C1866077, MONDO:0011163, OMIM 601887.
Hypokalemic periodic paralysis, type 1. Also called: HypoPP; Hypokalemic Periodic Paralysis Type 1 (AD). Identifiers: Orphanet 681, MedGen C3714580, MONDO:0042979, OMIM 170400.

Allele frequency attached by ClinVar (database versions not stated): gnomAD 0.00001; TOPMed 0.00001.
gnomAD v4.1: 6 of 1,613,848 alleles (0.00037%); highest among the groups gnomAD compares: Non-Finnish European, 0.00051%; no homozygotes.

Submissions (2):

Color Diagnostics, LLC DBA Color Health
Classification: Uncertain significance for Malignant hyperthermia, susceptibility to, 5. Last evaluated: 2025-06-18. Review status: criteria provided, single submitter. Criteria: ACMG Guidelines, 2015. Collection method: clinical testing. Allele origin: germline.
Comment: This missense variant replaces threonine with serine at codon 316 of the CACNA1S protein. Computational prediction suggests that this variant may not impact protein structure and function. To our knowledge, functional studies have not been reported for this variant. This variant has not been reported in individuals affected with CACNA1S-related disorders in the literature. This variant has not been identified in the general population by the Genome Aggregation Database (gnomAD). The available evidence is insufficient to determine the role of this variant in disease conclusively. Therefore, this variant is classified as a Variant of Uncertain Significance.

Labcorp Genetics (formerly Invitae), Labcorp
Classification: Uncertain significance for Hypokalemic periodic paralysis, type 1; Malignant hyperthermia, susceptibility to, 5. Last evaluated: 2022-07-19. Review status: criteria provided, single submitter. Criteria: Invitae Variant Classification Sherloc (09022015). Collection method: clinical testing. Allele origin: germline.
Comment: In summary, the available evidence is currently insufficient to determine the role of this variant in disease. Therefore, it has been classified as a Variant of Uncertain Significance. Algorithms developed to predict the effect of sequence changes on RNA splicing suggest that this variant may create or strengthen a splice site. Advanced modeling of protein sequence and biophysical properties (such as structural, functional, and spatial information, amino acid conservation, physicochemical variation, residue mobility, and thermodynamic stability) performed at Invitae indicates that this missense variant is not expected to disrupt CACNA1S protein function. ClinVar contains an entry for this variant (Variation ID: 569537). This variant has not been reported in the literature in individuals affected with CACNA1S-related conditions. This variant is not present in population databases (gnomAD no frequency). This sequence change replaces threonine, which is neutral and polar, with serine, which is neutral and polar, at codon 316 of the CACNA1S protein (p.Thr316Ser).

NM_000069.3(CACNA1S):c.947C>G (p.Thr316Ser)

Gene: CACNA1S (calcium voltage-gated channel subunit alpha1 S; minus strand). Cytogenetic location: 1q32.1.
Variant type: single nucleotide variant.
Coding change: c.947C>G on transcript NM_000069.3 (MANE Select); coding-DNA position 947, C replaced by G.
Protein change: p.Thr316Ser; replaces threonine 316 with serine.
Molecular consequence: missense variant.
Genome position (GRCh38, 1-based): chr1:201,087,883, G>C on the plus strand (C>G on the coding strand, the complement: CACNA1S is on the minus strand). VCF-style: chr1-201087883-G-C. GRCh37 (hg19) VCF-style: chr1-201057011-G-C.
Other names: short protein forms T316S.
Identifiers: ClinVar variation 569537 (VCV000569537.9), dbSNP rs1339416724, ClinGen allele CA344132284.
Genomic context (GRCh38, chr1:201,087,883, plus strand): 5'-TACCCACTCAGGACACCCAGCACCAGGTTGAGGATGAAGAAGGATCCCAGCAAAATGAGG[G>C]TGACAAAATAGATCCAGGGCCACTCATTCCCGATGGCATCATTGACCTGGTCAGGACAGA-3'
Protein context (NP_000060.2, residues 306-326): GNEWPWIYFV[Thr316Ser]LILLGSFFIL